The following is an entry in ClinVar:

NM_001458.5(FLNC):c.3613C>T (p.His1205Tyr)

Gene: FLNC (filamin C; plus strand). Cytogenetic location: 7q32.1.
Variant type: single nucleotide variant.
Coding change: c.3613C>T on transcript NM_001458.5 (MANE Select); coding-DNA position 3613, C replaced by T.
Protein change: p.His1205Tyr; replaces histidine 1205 with tyrosine.
Molecular consequence: missense variant.
Genome position (GRCh38, 1-based): chr7:128,845,078, C>T. VCF-style: chr7-128845078-C-T. GRCh37 (hg19) VCF-style: chr7-128485132-C-T.
Other names: c.3613C>T, p.His1205Tyr (NM_001127487.2); short protein forms H1205Y.
Identifiers: ClinVar variation 3758903 (VCV003758903.2).

ClinVar aggregate classification (germline): Uncertain significance (1 of 4 stars; one submission).

Conditions:
Distal myopathy with posterior leg and anterior hand involvement. Also called: WILLIAMS DISTAL MYOPATHY. Identifiers: Orphanet 63273, MedGen C3279722, MONDO:0013550, OMIM 614065.
Hypertrophic cardiomyopathy 26. Also called: Cardiomyopathy, familial hypertrophic, 26. Identifiers: Orphanet 75249, MedGen C4310749, MONDO:0014883, OMIM 617047.
Myofibrillar myopathy 5. Also called: Filaminopathy (type); FILAMINOPATHY, AUTOSOMAL DOMINANT. Identifiers: Orphanet 171445, MedGen C1836050, MONDO:0012289, OMIM 609524.

gnomAD v4.1: 2 of 1,613,914 alleles (0.00012%); highest among the groups gnomAD compares: Non-Finnish European, 0.00017%; no homozygotes.

Submission:

Labcorp Genetics (formerly Invitae), Labcorp
Classification: Uncertain significance for Distal myopathy with posterior leg and anterior hand involvement; Myofibrillar myopathy 5; Hypertrophic cardiomyopathy 26. Last evaluated: 2025-02-06. Review status: criteria provided, single submitter. Criteria: Invitae Variant Classification Sherloc (09022015). Collection method: clinical testing. Allele origin: germline.
Comment: This sequence change replaces histidine, which is basic and polar, with tyrosine, which is neutral and polar, at codon 1205 of the FLNC protein (p.His1205Tyr). This variant is not present in population databases (gnomAD no frequency). This variant has not been reported in the literature in individuals affected with FLNC-related conditions. Invitae Evidence Modeling of protein sequence and biophysical properties (such as structural, functional, and spatial information, amino acid conservation, physicochemical variation, residue mobility, and thermodynamic stability) has been performed for this missense variant. However, the output from this modeling did not meet the statistical confidence thresholds required to predict the impact of this variant on FLNC protein function. In summary, the available evidence is currently insufficient to determine the role of this variant in disease. Therefore, it has been classified as a Variant of Uncertain Significance.